The following is an entry in ClinVar:

NM_001128840.3(CACNA1D):c.5421T>C (p.Tyr1807=)

Gene: CACNA1D (calcium voltage-gated channel subunit alpha1 D; plus strand). Cytogenetic location: 3p21.1.
Variant type: single nucleotide variant.
Coding change: c.5421T>C on transcript NM_001128840.3 (MANE Select); coding-DNA position 5421, T replaced by C.
Protein change: p.Tyr1807=; no amino-acid change (tyrosine 1807 retained).
Molecular consequence: synonymous variant. On other transcripts: intron variant (1).
Genome position (GRCh38, 1-based): chr3:53,802,159, T>C. VCF-style: chr3-53802159-T-C. GRCh37 (hg19) VCF-style: chr3-53836186-T-C.
Other names: c.5481T>C, p.Tyr1827= (NM_000720.4); c.5363+734T>C (NM_001128839.3).
Identifiers: ClinVar variation 754448 (VCV000754448.12), dbSNP rs140019667, ClinGen allele CA2455134.
Genomic context (GRCh38, chr3:53,802,159, plus strand): 5'-TAACTTTTATCTTCTCCCTCCTTCCCATGTTATGCCTTTCCTGGATAGAACCCGCTATTA[T>C]GAAACTTACATTAGGTATGTGCTCATTACCTGTTTTTGTGTTAAATACTGTGATGGTATG-3'
Protein context (NP_001122312.1, residues 1797-1817): RRSSVKRTRY[Tyr1807=]ETYIRSDSGD

ClinVar aggregate classification (germline): Likely benign. Review status: criteria provided, multiple submitters, no conflicts (2 of 4 stars). 2 submissions from 2 submitters: Likely benign (2). Last evaluated 2025-12-29.

Allele frequency attached by ClinVar (database versions not stated): gnomAD exomes below 0.00001 and 0.00004; ExAC 0.00007; ESP Exome Variant Server 0.00008; TOPMed 0.00011; gnomAD 0.00012 and 0.00014.
gnomAD v4.1: 25 of 1,608,668 alleles (0.0016%); highest among the groups gnomAD compares: African/African-American, 0.02%; no homozygotes.

Submissions (2):

Labcorp Genetics (formerly Invitae), Labcorp
Classification: Likely benign. Last evaluated: 2025-12-29. Review status: criteria provided, single submitter. Criteria: Invitae Variant Classification Sherloc (09022015). Collection method: clinical testing. Allele origin: germline.

CeGaT Center for Human Genetics Tuebingen
Classification: Likely benign. Last evaluated: 2025-12-01. Review status: criteria provided, single submitter. Criteria: CeGaT Center For Human Genetics Tuebingen Variant Classification Criteria Version 2. Collection method: clinical testing. Allele origin: germline. Affected: yes. Observed: 1 variant allele.
Comment: CACNA1D: BP4, BP7